The following is an entry in ClinVar:

NM_001110556.2(FLNA):c.7628G>A (p.Cys2543Tyr)

Genes: FLNA (filamin A; minus strand), LOC107988032 (Xq28 proximal FLNA-EMD recombination region; plus strand). Cytogenetic location: Xq28.
Variant type: single nucleotide variant.
Coding change: c.7628G>A on transcript NM_001110556.2 (MANE Select); coding-DNA position 7628, G replaced by A.
Protein change: p.Cys2543Tyr; replaces cysteine 2543 with tyrosine.
Molecular consequence: missense variant.
Genome position (GRCh38, 1-based): chrX:154,349,490, C>T on the plus strand (G>A on the coding strand, the complement: FLNA is on the minus strand). VCF-style: chrX-154349490-C-T. GRCh37 (hg19) VCF-style: chrX-153577858-C-T.
Other names: c.7604G>A, p.Cys2535Tyr (NM_001456.4); short protein forms C2535Y, C2543Y.
Identifiers: ClinVar variation 392335 (VCV000392335.72), dbSNP rs201762017, ClinGen allele CA10559860.
Genomic context (GRCh38, chrX:154,349,490, plus strand): 5'-TTGGCCACCACCTTGCTGGCGTCAGCAGGCCCAGGACCCGGGGCCCCATGCTGGGGGGCA[C>T]AGGTGGCCTTGGTCAGAGAGTCTACAAACACTGATGATGTCTCGTGGAGGCTGTGGTTGC-3'
Protein context (NP_001104026.1, residues 2533-2553): VFVDSLTKAT[Cys2543Tyr]APQHGAPGPG

ClinVar aggregate classification (germline): Conflicting classifications of pathogenicity. Review status: criteria provided, conflicting classifications (1 of 4 stars). 10 submissions from 10 submitters: Uncertain significance (3); Benign (1); Likely benign (6). Last evaluated 2025-12-16.

Conditions:
Frontometaphyseal dysplasia (FMD1). Identifiers: Orphanet 1826, MedGen C0265293, MONDO:0015942.
Melnick-Needles syndrome (MNS). Also called: Melnick-Needles Syndrome (FLNA-MNS); OSTEODYSPLASTY OF MELNICK AND NEEDLES; MELNICK-NEEDLES OSTEODYSPLASTY. Identifiers: Orphanet 2484, MedGen C0025237, MONDO:0010650, OMIM 309350.
Oto-palato-digital syndrome, type II (OPD2). Also called: Otopalatodigital Syndrome Type 2 (FLNA-OPD2); Otopalatodigital Syndrome, Type II; OPD II SYNDROME; FACIOPALATOOSSEOUS SYNDROME. Identifiers: Orphanet 669, Orphanet 90652, MedGen C1844696, MONDO:0010571, OMIM 304120.
Heterotopia, periventricular, X-linked dominant (PVNH1). Also called: PERIVENTRICULAR NODULAR HETEROTOPIA 4; HETEROTOPIA, PERIVENTRICULAR, 1; PERIVENTRICULAR NODULAR HETEROTOPIA 1; X-linked periventricular heterotopia. Identifiers: Orphanet 2149, Orphanet 82004, MedGen C1848213, MONDO:0010233, OMIM 300049.
Terminal osseous dysplasia-pigmentary defects syndrome. Also called: Terminal Osseous Dysplasia (FLNA-TOD); ODPF SYNDROME; OSSEOUS DYSPLASIA, DIGITAL, WITH FACIAL PIGMENTARY DEFECTS AND MULTIPLE FRENULA; ODPD; TERMINAL OSSEOUS DYSPLASIA AND PIGMENTARY DEFECTS. Identifiers: Orphanet 88630, MedGen C1846129, MONDO:0010279, OMIM 300244.
Intestinal pseudoobstruction, neuronal, chronic idiopathic, X-linked (CIIPX). Also called: FLNA-Related Periventricular Nodular Heterotopia (FLNA-Related PVNH; Huttenlocher Syndrome); CONGENITAL IDIOPATHIC INTESTINAL PSEUDOOBSTRUCTION; INTESTINAL PSEUDOOBSTRUCTION, NEURONAL, CHRONIC IDIOPATHIC, WITH CENTRAL NERVOUS SYSTEM INVOLVEMENT. Identifiers: Orphanet 2301, MedGen C2746068, MONDO:0010232, OMIM 300048.
FG syndrome 2 (FGS2). Identifiers: MedGen C1845902, MONDO:0010297, OMIM 300321.
Frontometaphyseal dysplasia 1 (FMD1). Also called: Frontometaphyseal Dysplasia (FLNA-FMD). Identifiers: Orphanet 1826, MedGen C4281559, MONDO:0024550, OMIM 305620.
Oto-palato-digital syndrome, type I (OPD1). Also called: Otopalatodigital Syndrome Type 1 (FLNA-OPD1); Taybi syndrome; Otopalatodigital Syndrome, Type I; OPD I SYNDROME; OPD SYNDROME 1. Identifiers: Orphanet 669, Orphanet 90650, MedGen C0265251, MONDO:0010704, OMIM 311300.
Cardiac valvular dysplasia, X-linked (CVDPX). Also called: Isolated X-Linked Cardiac Valvular Dysplasia; Congenital valvular dysplasia; FLNA-Related X-linked Cardiac Valvular Dysplasia; MYXOMATOUS VALVULAR DYSTROPHY, X-LINKED; VALVULAR HEART DISEASE, CONGENITAL. Identifiers: Orphanet 1864, Orphanet 555877, Orphanet 75497, MedGen C0262436, MONDO:0010753, OMIM 314400.
Familial thoracic aortic aneurysm and aortic dissection (TAAD). Also called: Thoracic aortic aneurysms and dissections. Identifiers: Orphanet 91387, MedGen C4707243, MONDO:0019625.

Allele frequency attached by ClinVar (database versions not stated): ExAC 0.00001; gnomAD exomes 0.00014; gnomAD 0.00022; TOPMed 0.00023.
gnomAD v4.1: 176 of 1,211,541 alleles (0.015%); highest among the groups gnomAD compares: Non-Finnish European, 0.018%; 1 homozygote.

Submissions (10):

Labcorp Genetics (formerly Invitae), Labcorp
Classification: Benign for Oto-palato-digital syndrome, type II; Heterotopia, periventricular, X-linked dominant; Frontometaphyseal dysplasia; Melnick-Needles syndrome. Last evaluated: 2025-12-16. Review status: criteria provided, single submitter. Criteria: Invitae Variant Classification Sherloc (09022015). Collection method: clinical testing. Allele origin: germline.

Mayo Clinic Laboratories, Mayo Clinic
Classification: Likely benign. Last evaluated: 2025-02-04. Review status: criteria provided, single submitter. Criteria: ACMG Guidelines, 2015. Collection method: clinical testing. Allele origin: germline. Observed: 7 variant alleles.
Comment: BS2, BP4, PP2

CeGaT Center for Human Genetics Tuebingen
Classification: Likely benign. Last evaluated: 2025-01-01. Review status: criteria provided, single submitter. Criteria: CeGaT Center For Human Genetics Tuebingen Variant Classification Criteria Version 2. Collection method: clinical testing. Allele origin: germline. Affected: yes. Observed: 6 variant alleles.
Comment: FLNA: BP4, BS2

ARUP Laboratories, Molecular Genetics and Genomics, ARUP Laboratories
Classification: Uncertain significance. Last evaluated: 2024-10-21. Review status: criteria provided, single submitter. Criteria: ARUP Molecular Germline Variant Investigation Process 2024. Collection method: clinical testing. Allele origin: germline.
Comment: The FLNA c.7604G>A; p.Cys2535Tyr variant (rs201762017, ClinVar Variation ID: 392335), is reported in the literature in one individual with aortic root dilation (Rashed 2022). This variant is found in the general population with an overall allele frequency of 0.007 % (15 / 203,700 alleles, including 5 hemizygotes) in the Genome Aggregation Database (v2.1.1). Computational analyses are uncertain whether this variant is neutral or deleterious (REVEL: 0.153). Due to limited information, the clinical significance of the p.Cys2535Tyr variant is uncertain at this time. References: Rashed ER et al. Cardiovascular manifestations of hypermobile Ehlers-Danlos syndrome and hypermobility spectrum disorders. Vasc Med. 2022 Jun;27(3):283-289. PMID: 35000503.

Blueprint Genetics
Classification: Likely benign. Last evaluated: 2024-10-03. Review status: criteria provided, single submitter. Criteria: ACMG Guidelines, 2015. Collection method: clinical testing. Allele origin: germline.

Women's Health and Genetics/Laboratory Corporation of America, LabCorp
Classification: Likely benign. Last evaluated: 2024-09-04. Review status: criteria provided, single submitter. Criteria: LabCorp Variant Classification Summary - May 2015. Collection method: clinical testing. Allele origin: germline.
Comment: Variant summary: FLNA c.7628G>A (p.Cys2543Tyr) results in a non-conservative amino acid change in the encoded protein sequence. Four of five in-silico tools predict a benign effect of the variant on protein function. The variant allele was found at a frequency of 0.00015 in 1211541 control chromosomes, predominantly at a frequency of 0.00018 within the Non-Finnish European subpopulation in the gnomAD database, including 1 homozygote and 51 hemizygotes. The observed variant frequency within Non-Finnish European control individuals in the gnomAD database is approximately 576 fold of the estimated maximal expected allele frequency for a pathogenic variant in FLNA causing Periventricular Nodular Heterotopia phenotype (3.1e-07). c.7628G>A has been reported in the literature in at least an individual affected with cerebral vein thrombosis (Kramer_2023). This report does not provide unequivocal conclusions about association of the variant with Periventricular Nodular Heterotopia. To our knowledge, no experimental evidence demonstrating an impact on protein function has been reported. The following publication has been ascertained in the context of this evaluation (PMID: 37175682). ClinVar contains an entry for this variant (Variation ID: 392335). Based on the evidence outlined above, the variant was classified as likely benign.

Ambry Genetics
Classification: Likely benign for Familial thoracic aortic aneurysm and aortic dissection. Last evaluated: 2024-08-23. Review status: criteria provided, single submitter. Criteria: Ambry Variant Classification Scheme 2023. Collection method: clinical testing. Allele origin: germline.

GeneDx
Classification: Likely benign. Last evaluated: 2020-06-25. Review status: criteria provided, single submitter. Criteria: GeneDx Variant Classification Process June 2021. Collection method: clinical testing. Allele origin: germline. Affected: yes.

Revvity Omics, Revvity
Classification: Uncertain significance. Last evaluated: 2019-10-15. Review status: criteria provided, single submitter. Criteria: ACMG Guidelines, 2015. Collection method: clinical testing. Allele origin: germline.

Cytogénomique, Hospices Civils de Lyon
Classification: Uncertain significance for FG syndrome 2; Cardiac valvular dysplasia, X-linked; Intestinal pseudoobstruction, neuronal, chronic idiopathic, X-linked; Frontometaphyseal dysplasia 1; Heterotopia, periventricular, X-linked dominant; Melnick-Needles syndrome; Oto-palato-digital syndrome, type I; Oto-palato-digital syndrome, type II; Terminal osseous dysplasia-pigmentary defects syndrome. Last evaluated: 2017-12-28. Review status: criteria provided, single submitter. Criteria: ACMG Guidelines, 2015. Collection method: clinical testing. Allele origin: maternal. Inheritance: X-linked inheritance. Affected: yes.

Literature cited by the submitters: PubMed 35000503 (cited by Mayo Clinic Laboratories, Mayo Clinic); PubMed 37175682 (cited by Women's Health and Genetics/Laboratory Corporation of America, LabCorp).